The following is an entry in ClinVar:

ClinVar aggregate classification (germline): Uncertain significance. Review status: criteria provided, multiple submitters, no conflicts (2 of 4 stars). 2 submissions from 2 submitters: Uncertain significance (2). Last evaluated 2023-05-15.

Conditions:
Hereditary pancreatitis (PCTT). Also called: Hereditary chronic pancreatitis; PRSS1-Related Hereditary Pancreatitis. Identifiers: Orphanet 676, MedGen C0238339, MONDO:0008185, OMIM 167800.

Submissions (2):

Labcorp Genetics (formerly Invitae), Labcorp
Classification: Uncertain significance for Hereditary pancreatitis. Last evaluated: 2023-05-15. Review status: criteria provided, single submitter. Criteria: Invitae Variant Classification Sherloc (09022015). Collection method: clinical testing. Allele origin: germline.
Comment: In summary, the available evidence is currently insufficient to determine the role of this variant in disease. Therefore, it has been classified as a Variant of Uncertain Significance. This sequence change replaces proline, which is neutral and non-polar, with arginine, which is basic and polar, at codon 17 of the PRSS1 protein (p.Pro17Arg). This variant is not present in population databases (gnomAD no frequency). This missense change has been observed in individual(s) with chronic pancreatitis (PMID: 29215622). ClinVar contains an entry for this variant (Variation ID: 1745334). Advanced modeling of protein sequence and biophysical properties (such as structural, functional, and spatial information, amino acid conservation, physicochemical variation, residue mobility, and thermodynamic stability) has been performed at Invitae for this missense variant, however the output from this modeling did not meet the statistical confidence thresholds required to predict the impact of this variant on PRSS1 protein function. Experimental studies have shown that this missense change affects PRSS1 function (PMID: 29215622).

Ambry Genetics
Classification: Uncertain significance for Hereditary pancreatitis. Last evaluated: 2022-02-12. Review status: criteria provided, single submitter. Criteria: Ambry Variant Classification Scheme 2023. Collection method: clinical testing. Allele origin: germline.
Comment: The p.P17R variant (also known as c.50C>G), located in coding exon 2 of the PRSS1 gene, results from a C to G substitution at nucleotide position 50. The proline at codon 17 is replaced by arginine, an amino acid with dissimilar properties. This amino acid position is conserved. In addition, the in silico prediction for this alteration is inconclusive. Since supporting evidence is limited at this time, the clinical significance of this alteration remains unclear.

Literature cited by the submitters: PubMed 29215622 (cited by Labcorp Genetics (formerly Invitae), Labcorp).

NM_002769.5(PRSS1):c.50C>G (p.Pro17Arg)

Genes: PRSS1 (serine protease 1; plus strand), TRB (T cell receptor beta locus; plus strand). Cytogenetic location: 7q34.
Variant type: single nucleotide variant.
Coding change: c.50C>G on transcript NM_002769.5 (MANE Select); coding-DNA position 50, C replaced by G.
Protein change: p.Pro17Arg; replaces proline 17 with arginine.
Molecular consequence: missense variant. On other transcripts: non-coding transcript variant (2).
Genome position (GRCh38, 1-based): chr7:142,750,564, C>G. VCF-style: chr7-142750564-C-G. GRCh37 (hg19) VCF-style: chr7-142458415-C-G.
Other names: short protein forms P17R.
Identifiers: ClinVar variation 1745334 (VCV001745334.5), dbSNP rs776401461, ClinGen allele CA168146635.